The following is an entry in ClinVar:

NM_001270508.2(TNFAIP3):c.775C>T (p.Pro259Ser)

Genes: TNFAIP3 (TNF alpha induced protein 3; plus strand), LOC126859807 (MED14-independent group 3 enhancer GRCh37_chr6:138196296-138197495; plus strand). Cytogenetic location: 6q23.3.
Variant type: single nucleotide variant.
Coding change: c.775C>T on transcript NM_001270508.2 (MANE Select); coding-DNA position 775, C replaced by T.
Protein change: p.Pro259Ser; replaces proline 259 with serine.
Molecular consequence: missense variant.
Genome position (GRCh38, 1-based): chr6:137,876,136, C>T. VCF-style: chr6-137876136-C-T. GRCh37 (hg19) VCF-style: chr6-138197273-C-T.
Other names: c.775C>T, p.Pro259Ser (NM_001270507.2, NM_006290.4); short protein forms P259S.
Identifiers: ClinVar variation 2829212 (VCV002829212.3), dbSNP rs1273199420, ClinGen allele CA365784592.
Genomic context (GRCh38, chr6:137,876,136, plus strand): 5'-CCTGCCCAGGAATGCTACAGATACCCCATTGTTCTCGGCTATGACAGCCATCATTTTGTA[C>T]CCTTGGTGACCCTGAAGGACAGTGGGCCTGGTGAGAAAACTGCATTAATTCACATCTATA-3'
Protein context (NP_001257437.1, residues 249-269): VLGYDSHHFV[Pro259Ser]LVTLKDSGPE

ClinVar aggregate classification (germline): Uncertain significance (1 of 4 stars; one submission).

Allele frequency attached by ClinVar (database versions not stated): gnomAD exomes below 0.00001.
gnomAD v4.1: 6 of 1,613,990 alleles (0.00037%); highest among the groups gnomAD compares: Non-Finnish European, 0.00051%; no homozygotes.

Submission:

Labcorp Genetics (formerly Invitae), Labcorp
Classification: Uncertain significance. Last evaluated: 2023-01-16. Review status: criteria provided, single submitter. Criteria: Invitae Variant Classification Sherloc (09022015). Collection method: clinical testing. Allele origin: germline.
Comment: This sequence change replaces proline, which is neutral and non-polar, with serine, which is neutral and polar, at codon 259 of the TNFAIP3 protein (p.Pro259Ser). In summary, the available evidence is currently insufficient to determine the role of this variant in disease. Therefore, it has been classified as a Variant of Uncertain Significance. Advanced modeling of protein sequence and biophysical properties (such as structural, functional, and spatial information, amino acid conservation, physicochemical variation, residue mobility, and thermodynamic stability) performed at Invitae indicates that this missense variant is expected to disrupt TNFAIP3 protein function. This variant has not been reported in the literature in individuals affected with TNFAIP3-related conditions. This variant is present in population databases (no rsID available, gnomAD 0.0009%).